The following is an entry in ClinVar:

NM_001401501.2(MUC16):c.36605C>T (p.Thr12202Met)

Gene: MUC16 (mucin 16, cell surface associated; minus strand). Cytogenetic location: 19p13.2.
Variant type: single nucleotide variant.
Coding change: c.36605C>T on transcript NM_001401501.2 (MANE Select); coding-DNA position 36605, C replaced by T.
Protein change: p.Thr12202Met; replaces threonine 12202 with methionine.
Molecular consequence: missense variant.
Genome position (GRCh38, 1-based): chr19:8,917,697, G>A on the plus strand (C>T on the coding strand, the complement: MUC16 is on the minus strand). VCF-style: chr19-8917697-G-A. GRCh37 (hg19) VCF-style: chr19-9028373-G-A.
Other names: c.37031C>T, p.Thr12344Met (NM_001414686.1); c.36485C>T, p.Thr12162Met (NM_001414687.1); c.36419C>T, p.Thr12140Met (NM_024690.2); short protein forms T12140M, T12162M, T12202M, T12344M.
Identifiers: ClinVar variation 3060287 (VCV003060287.2), dbSNP rs56396897, ClinGen allele CA9165760.

ClinVar aggregate classification (germline): Benign (0 of 4 stars; one submission).

Conditions:
MUC16-related disorder. Also called: MUC16-related condition.

Allele frequency attached by ClinVar (database versions not stated): 1000 Genomes Project 0.21406; 1000 Genomes Project 30x 0.21440; TOPMed 0.23344; gnomAD 0.23869; ESP Exome Variant Server 0.24513; ExAC 0.26470.

Submission:

PreventionGenetics, part of Exact Sciences
Classification: Benign for MUC16-related condition. Last evaluated: 2019-10-21. Review status: no assertion criteria provided. Collection method: clinical testing. Allele origin: germline.
Comment: This variant is classified as benign based on ACMG/AMP sequence variant interpretation guidelines (Richards et al. 2015 PMID: 25741868, with internal and published modifications).